The following is an entry in ClinVar:

ClinVar aggregate classification (germline): Pathogenic/Likely pathogenic. Review status: criteria provided, multiple submitters, no conflicts (2 of 4 stars). 4 submissions from 4 submitters: Pathogenic (2); Likely pathogenic (2). Last evaluated 2024-06-03.

Conditions:
HNF1B-related disorder. Also called: HNF1B-related disorders; HNF1B-related condition.
Type 2 diabetes mellitus. Also called: Type II diabetes mellitus. Identifiers: MedGen C0011860, MeSH D003924, MONDO:0005148, OMIM 125853, HP:0005978.
Renal cysts and diabetes syndrome (RCAD). Also called: Familial hypoplastic, glomerulocystic kidney; MATURITY-ONSET DIABETES OF THE YOUNG, TYPE 5. Identifiers: Orphanet 93111, MedGen C0431693, MONDO:0007669, OMIM 137920.
Nonpapillary renal cell carcinoma. Identifiers: Orphanet 422526, MedGen CN074294, MONDO:0007763, OMIM 144700.

Submissions (4):

Fulgent Genetics
Classification: Likely pathogenic for Type 2 diabetes mellitus; Renal cysts and diabetes syndrome; Nonpapillary renal cell carcinoma. Last evaluated: 2024-06-03. Review status: criteria provided, single submitter. Criteria: ACMG Guidelines, 2015. Collection method: clinical testing. Allele origin: germline.

Labcorp Genetics (formerly Invitae), Labcorp
Classification: Pathogenic. Last evaluated: 2023-07-17. Review status: criteria provided, single submitter. Criteria: Invitae Variant Classification Sherloc (09022015). Collection method: clinical testing. Allele origin: germline.
Comment: This variant has not been reported in the literature in individuals affected with HNF1B-related conditions. This sequence change creates a premature translational stop signal (p.Ile366Valfs*9) in the HNF1B gene. It is expected to result in an absent or disrupted protein product. Loss-of-function variants in HNF1B are known to be pathogenic (PMID: 9398836, 12148114, 15068978, 20378641). This variant is not present in population databases (gnomAD no frequency). ClinVar contains an entry for this variant (Variation ID: 635607). For these reasons, this variant has been classified as Pathogenic.

Blueprint Genetics
Classification: Likely pathogenic for HNF1B-related disorders. Last evaluated: 2023-02-13. Review status: criteria provided, single submitter. Criteria: ACMG Guidelines, 2015. Collection method: clinical testing. Allele origin: germline. Affected: yes. Observed: 1 variant allele.

Institute of Human Genetics, FAU Erlangen, Friedrich-Alexander-Universität Erlangen-Nürnberg
Classification: Pathogenic for Renal cysts and diabetes syndrome. Last evaluated: 2019-07-06. Review status: criteria provided, single submitter. Criteria: ACMG Guidelines, 2015. Collection method: literature only. Allele origin: germline. Affected: yes.
Comment: This variant and it's classification has been reported by Vasileiou et al. 2019; DOI:10.1101/576918. The variants has previously been reported in LOVD:#0000346704 as "HNF1B:NM_000458.3(HNF1B):c.1096_1099del (Ile366fs)" with clinical significance Pathogenic. It has been re-classified using InterVar and manual curation as Pathogenic based on PVS1 PM2 PP3.

Literature cited by the submitters: PubMed 9398836 (cited by Labcorp Genetics (formerly Invitae), Labcorp); PubMed 12148114 (cited by Labcorp Genetics (formerly Invitae), Labcorp); PubMed 15068978 (cited by Labcorp Genetics (formerly Invitae), Labcorp); PubMed 20378641 (cited by Labcorp Genetics (formerly Invitae), Labcorp); DOI 10.1101/576918 (cited by Institute of Human Genetics, FAU Erlangen, Friedrich-Alexander-Universität Erlangen-Nürnberg).

NM_000458.4(HNF1B):c.1096_1099del (p.Ile366fs)

Gene: HNF1B (HNF1 homeobox B; minus strand). Cytogenetic location: 17q12.
Variant type: Deletion.
Coding change: c.1096_1099del on transcript NM_000458.4 (MANE Select); coding-DNA positions 1096 to 1099, 4 bases deleted (ATCA; older notation c.1096_1099delATCA).
Protein change: p.Ile366fs; shifts the reading frame from isoleucine 366.
Molecular consequence: frameshift variant.
Genome position (GRCh38, 1-based): chr17:37,710,610-37,710,613, TGAT deleted on the plus strand (ATCA on the coding strand, the reverse complement: HNF1B is on the minus strand); deleting any 4 consecutive bases within chr17:37,710,610-37,710,615 gives the same sequence; the c. name uses the placement nearest the transcript's 3' end. VCF-style (leftmost placement, unchanged base first): chr17-37710609-CTGAT-C. GRCh37 (hg19) VCF-style: chr17-36070617-CTGAT-C.
Other names: c.1018_1021del, p.Ile340fs (NM_001165923.4, NM_001304286.2); short protein forms I366fs, I340fs.
Identifiers: ClinVar variation 635607 (VCV000635607.9), dbSNP rs2511723972, ClinGen allele CA913190760.
Genomic context (GRCh38, chr17:37,710,609, plus strand): 5'-GCTGGGGAGACTTGCTGTAAAACCGACTGGCTGGTCACCATGGCGCTGTTGCCATGGTGA[CTGAT>C]TGTTGAGGAGGAAGTGATCTCATTGTTTCCCTGCTGGCTGTAGCGCACTCCTGCAAAACA-3'